The following is an entry in ClinVar:

ClinVar aggregate classification (germline): Uncertain significance (1 of 4 stars; one submission).

Allele frequency attached by ClinVar (database versions not stated): gnomAD exomes 0.00001.
gnomAD v4.1: 2 of 1,613,916 alleles (0.00012%); highest among the groups gnomAD compares: Admixed American, 0.0017%; no homozygotes.

Submission:

Labcorp Genetics (formerly Invitae), Labcorp
Classification: Uncertain significance. Last evaluated: 2025-12-08. Review status: criteria provided, single submitter. Criteria: Invitae Variant Classification Sherloc (09022015). Collection method: clinical testing. Allele origin: germline.
Comment: This sequence change replaces valine, which is neutral and non-polar, with aspartic acid, which is acidic and polar, at codon 3028 of the VPS13C protein (p.Val3028Asp). This variant is present in population databases (no rsID available, gnomAD no frequency). This variant has not been reported in the literature in individuals affected with VPS13C-related conditions. ClinVar contains an entry for this variant (Variation ID: 1465822). Invitae Evidence Modeling of protein sequence and biophysical properties (such as structural, functional, and spatial information, amino acid conservation, physicochemical variation, residue mobility, and thermodynamic stability) indicates that this missense variant is not expected to disrupt VPS13C protein function with a negative predictive value of 80%. In summary, the available evidence is currently insufficient to determine the role of this variant in disease. Therefore, it has been classified as a Variant of Uncertain Significance.

NM_020821.3(VPS13C):c.9083T>A (p.Val3028Asp)

Gene: VPS13C (vacuolar protein sorting 13 homolog C; minus strand). Cytogenetic location: 15q22.2.
Variant type: single nucleotide variant.
Coding change: c.9083T>A on transcript NM_020821.3 (MANE Select); coding-DNA position 9083, T replaced by A.
Protein change: p.Val3028Asp; replaces valine 3028 with aspartic acid.
Molecular consequence: missense variant.
Genome position (GRCh38, 1-based): chr15:61,907,286, A>T on the plus strand (T>A on the coding strand, the complement: VPS13C is on the minus strand). VCF-style: chr15-61907286-A-T. GRCh37 (hg19) VCF-style: chr15-62199485-A-T.
Other names: c.9083T>A, p.Val3028Asp (NM_001018088.3); c.8954T>A, p.Val2985Asp (NM_017684.5, NM_018080.4); short protein forms V3028D, V2985D.
Identifiers: ClinVar variation 1465822 (VCV001465822.5), dbSNP rs1253985989, ClinGen allele CA392673559.
Genomic context (GRCh38, chr15:61,907,286, plus strand): 5'-AGGTAACTCATATAGCACTCATTCACATCAAAAGATACCTTTAACAGATCATGTTCCCCA[A>T]CATTTGCTGCATATGTCCATGTAAGTTTTCTGGTACCAGTAGGATCTGCCCAGGCAAAAA-3'
Protein context (NP_065872.1, residues 3018-3038): RKLTWTYAAN[Val3028Asp]GEHDLLKDGC